The following is an entry in ClinVar:

NM_130810.4(DNAAF4):c.934del (p.Ala312fs)

Genes: DNAAF4 (dynein axonemal assembly factor 4; minus strand), DNAAF4-CCPG1 (DNAAF4-CCPG1 readthrough (NMD candidate); minus strand). Cytogenetic location: 15q21.3.
Variant type: Deletion.
Coding change: c.934del on transcript NM_130810.4 (MANE Select); coding-DNA position 934, one base deleted (G; older notation c.934delG).
Protein change: p.Ala312fs; shifts the reading frame from alanine 312.
Molecular consequence: frameshift variant. On other transcripts: non-coding transcript variant (1).
Genome position (GRCh38, 1-based): chr15:55,435,018, C deleted on the plus strand (G on the coding strand, the reverse complement: DNAAF4 is on the minus strand). VCF-style (leftmost placement, unchanged base first): chr15-55435017-GC-G. GRCh37 (hg19) VCF-style: chr15-55727215-GC-G.
Other names: c.934del, p.Ala312fs (NM_001033559.3, NM_001033560.2); short protein forms A312fs.
Identifiers: ClinVar variation 643553 (VCV000643553.7), dbSNP rs1271948695, ClinGen allele CA618066737.

ClinVar aggregate classification (germline): Pathogenic (1 of 4 stars; one submission).

Allele frequency attached by ClinVar (database versions not stated): gnomAD exomes below 0.00001.

Submission:

Labcorp Genetics (formerly Invitae), Labcorp
Classification: Pathogenic. Last evaluated: 2018-08-09. Review status: criteria provided, single submitter. Criteria: Invitae Variant Classification Sherloc (09022015). Collection method: clinical testing. Allele origin: germline.
Comment: For these reasons, this variant has been classified as Pathogenic. Loss-of-function variants in DYX1C1 are known to be pathogenic (PMID: 23872636). This variant has not been reported in the literature in individuals with DYX1C1-related disease. This variant is not present in population databases (ExAC no frequency). This sequence change creates a premature translational stop signal (p.Ala312Hisfs*4) in the DYX1C1 gene. It is expected to result in an absent or disrupted protein product.

Literature cited by the submitters: PubMed 23872636.